The following is an entry in ClinVar:

NM_024884.3(L2HGDH):c.928T>G (p.Phe310Val)

Gene: L2HGDH (L-2-hydroxyglutarate dehydrogenase; minus strand). Cytogenetic location: 14q21.3.
Variant type: single nucleotide variant.
Coding change: c.928T>G on transcript NM_024884.3 (MANE Select); coding-DNA position 928, T replaced by G.
Protein change: p.Phe310Val; replaces phenylalanine 310 with valine.
Molecular consequence: missense variant.
Genome position (GRCh38, 1-based): chr14:50,267,889, A>C on the plus strand (T>G on the coding strand, the complement: L2HGDH is on the minus strand). VCF-style: chr14-50267889-A-C. GRCh37 (hg19) VCF-style: chr14-50734607-A-C.
Other names: c.928T>G, p.Phe310Val (NM_001425212.1); c.817T>G, p.Phe273Val (NM_001425213.1, NM_001425214.1); c.382T>G, p.Phe128Val (NM_001425215.1, NM_001425216.1, NM_001425217.1 and 1 more transcripts); short protein forms F273V, F310V, F128V.
Identifiers: ClinVar variation 2920181 (VCV002920181.3), dbSNP rs1397712145, ClinGen allele CA389649391.

ClinVar aggregate classification (germline): Uncertain significance (1 of 4 stars; one submission).

Conditions:
L-2-hydroxyglutaric aciduria (L2HGA). Identifiers: Orphanet 79314, MedGen C1855995, MONDO:0009370, OMIM 236792, HP:0040144.

Allele frequency attached by ClinVar (database versions not stated): TOPMed 0.00002.
gnomAD v4.1: 2 of 1,614,088 alleles (0.00012%); highest among the groups gnomAD compares: Non-Finnish European, 0.000085%; no homozygotes.

Submission:

Labcorp Genetics (formerly Invitae), Labcorp
Classification: Uncertain significance for L-2-hydroxyglutaric aciduria. Last evaluated: 2023-02-02. Review status: criteria provided, single submitter. Criteria: Invitae Variant Classification Sherloc (09022015). Collection method: clinical testing. Allele origin: germline.
Comment: This sequence change replaces phenylalanine, which is neutral and non-polar, with valine, which is neutral and non-polar, at codon 310 of the L2HGDH protein (p.Phe310Val). This variant is present in population databases (no rsID available, gnomAD 0.007%). This variant has not been reported in the literature in individuals affected with L2HGDH-related conditions. Advanced modeling of protein sequence and biophysical properties (such as structural, functional, and spatial information, amino acid conservation, physicochemical variation, residue mobility, and thermodynamic stability) performed at Invitae indicates that this missense variant is expected to disrupt L2HGDH protein function. Algorithms developed to predict the effect of sequence changes on RNA splicing suggest that this variant may disrupt the consensus splice site. In summary, the available evidence is currently insufficient to determine the role of this variant in disease. Therefore, it has been classified as a Variant of Uncertain Significance.